The following is an entry in ClinVar:

ClinVar aggregate classification (germline): Uncertain significance (1 of 4 stars; one submission).

gnomAD v4.1: 1 of 1,613,872 alleles (0.000062%); no homozygotes.

Submission:

Labcorp Genetics (formerly Invitae), Labcorp
Classification: Uncertain significance. Last evaluated: 2022-05-26. Review status: criteria provided, single submitter. Criteria: Invitae Variant Classification Sherloc (09022015). Collection method: clinical testing. Allele origin: germline.
Comment: This sequence change replaces histidine, which is basic and polar, with tyrosine, which is neutral and polar, at codon 890 of the CTNNA1 protein (p.His890Tyr). This variant is not present in population databases (gnomAD no frequency). This variant has not been reported in the literature in individuals affected with CTNNA1-related conditions. Algorithms developed to predict the effect of missense changes on protein structure and function are either unavailable or do not agree on the potential impact of this missense change (SIFT: "Deleterious"; PolyPhen-2: "Benign"; Align-GVGD: "Class C0"). Algorithms developed to predict the effect of sequence changes on RNA splicing suggest that this variant may create or strengthen a splice site. In summary, the available evidence is currently insufficient to determine the role of this variant in disease. Therefore, it has been classified as a Variant of Uncertain Significance.

NM_001903.5(CTNNA1):c.2668C>T (p.His890Tyr)

Gene: CTNNA1 (catenin alpha 1; plus strand). Cytogenetic location: 5q31.2.
Variant type: single nucleotide variant.
Coding change: c.2668C>T on transcript NM_001903.5 (MANE Select); coding-DNA position 2668, C replaced by T.
Protein change: p.His890Tyr; replaces histidine 890 with tyrosine.
Molecular consequence: missense variant. On other transcripts: 3 prime UTR variant (5).
Genome position (GRCh38, 1-based): chr5:138,934,036, C>T. VCF-style: chr5-138934036-C-T. GRCh37 (hg19) VCF-style: chr5-138269725-C-T.
Other names: c.*213C>T (NM_001290307.3, NM_001324002.1, NM_001324003.1 and 2 more transcripts); c.2359C>T, p.His787Tyr (NM_001290309.3); c.2299C>T, p.His767Tyr (NM_001290310.3); c.1558C>T, p.His520Tyr (NM_001290312.1, NM_001323987.1, NM_001323988.1 and 12 more transcripts); c.2668C>T, p.His890Tyr (NM_001323982.2, NM_001323983.1, NM_001323984.2); c.2641C>T, p.His881Tyr (NM_001323985.2); c.2575C>T, p.His859Tyr (NM_001323986.2); c.1465C>T, p.His489Tyr (NM_001324011.1); and 3 more; short protein forms H439Y, H859Y, H890Y, H520Y, H767Y, H787Y, H407Y, H489Y.
Identifiers: ClinVar variation 1377924 (VCV001377924.6), dbSNP rs2150360230, ClinGen allele CA361135733.